The following is an entry in ClinVar:

ClinVar aggregate classification (germline): Uncertain significance (1 of 4 stars; one submission).

Conditions:
Cardiomyopathy (CMYO). Also called: Cardiomyopathies. Identifiers: Orphanet 167848, MedGen C0878544, MONDO:0004994, HP:0001638. Inheritance: Various modes of inheritance.

Submission:

All of Us Research Program, National Institutes of Health
Classification: Uncertain significance for Cardiomyopathy. Last evaluated: 2024-02-05. Review status: criteria provided, single submitter. Criteria: ACMG Guidelines, 2015. Collection method: clinical testing. Allele origin: germline. Inheritance: Autosomal dominant inheritance. Observed: 1 variant allele, 1 heterozygote.
Comment: This missense variant replaces serine with arginine at codon 1222 of the MYH7 protein. Computational prediction is inconclusive regarding the impact of this variant on protein structure and function (internally defined REVEL score threshold 0.5 < inconclusive < 0.7, PMID: 27666373). To our knowledge, functional studies have not been reported for this variant. This variant has not been reported in individuals affected with MYH7-related disorders in the literature. This variant has not been identified in the general population by the Genome Aggregation Database (gnomAD). The available evidence is insufficient to determine the role of this variant in disease conclusively. Therefore, this variant is classified as a Variant of Uncertain Significance.

This study involves interpretation of variants in research participants for the purpose of population health screening. Participant phenotype was not available at the time of variant classification. Additional details can be found in publication PMID: 35346344, PMCID: PMC8962531

NM_000257.4(MYH7):c.3666C>A (p.Ser1222Arg)

Gene: MYH7 (myosin heavy chain 7; minus strand). Cytogenetic location: 14q11.2.
Variant type: single nucleotide variant.
Coding change: c.3666C>A on transcript NM_000257.4 (MANE Select); coding-DNA position 3666, C replaced by A.
Protein change: p.Ser1222Arg; replaces serine 1222 with arginine.
Molecular consequence: missense variant.
Genome position (GRCh38, 1-based): chr14:23,419,905, G>T on the plus strand (C>A on the coding strand, the complement: MYH7 is on the minus strand). VCF-style: chr14-23419905-G-T. GRCh37 (hg19) VCF-style: chr14-23889114-G-T.
Other names: c.3666C>A, p.Ser1222Arg (NM_001407004.1); short protein forms S1222R.
Identifiers: ClinVar variation 3075486 (VCV003075486.1), dbSNP rs397516191, ClinGen allele CA389043113.